The following is an entry in ClinVar:

ClinVar aggregate classification (germline): Benign/Likely benign. Review status: criteria provided, multiple submitters, no conflicts (2 of 4 stars). 6 submissions from 6 submitters: Benign (2); Likely benign (3). 1 of the submissions does not count toward it. Last evaluated 2026-01-29.

Conditions:
Bohring-Opitz syndrome. Also called: OPITZ TRIGONOCEPHALY-LIKE SYNDROME; ASXL1-Related Bohring-Opitz Syndrome; C-LIKE SYNDROME; BOHRING SYNDROME. Identifiers: Orphanet 97297, MedGen C0796232, MONDO:0011510, OMIM 605039.

Allele frequency attached by ClinVar (database versions not stated): gnomAD exomes 0.00063 and 0.00178; gnomAD 0.00674 and 0.00728; 1000 Genomes Project 30x 0.00921; ExAC 0.00220; TOPMed 0.00766; 1000 Genomes Project 0.00859; ESP Exome Variant Server 0.00869.
gnomAD v4.1: 1,993 of 1,614,224 alleles (0.12%); highest among the groups gnomAD compares: African/African-American, 2.3%; 25 homozygotes.

Submissions (6):

Labcorp Genetics (formerly Invitae), Labcorp
Classification: Benign. Last evaluated: 2026-01-29. Review status: criteria provided, single submitter. Criteria: Invitae Variant Classification Sherloc (09022015). Collection method: clinical testing. Allele origin: germline.

Genome-Nilou Lab
Classification: Benign for Bohring-Opitz syndrome. Last evaluated: 2021-12-05. Review status: criteria provided, single submitter. Criteria: ACMG Guidelines, 2015. Collection method: clinical testing. Allele origin: germline. Affected: no.

GeneDx
Classification: Likely benign. Last evaluated: 2021-02-16. Review status: criteria provided, single submitter. Criteria: GeneDx Variant Classification Process June 2021. Collection method: clinical testing. Allele origin: germline. Affected: yes.

Center for Pediatric Genomic Medicine, Children's Mercy Hospital and Clinics
Classification: Likely benign. Last evaluated: 2017-05-04. Review status: criteria provided, single submitter. Criteria: ACMG Guidelines, 2015. Collection method: clinical testing. Allele origin: germline.

Breakthrough Genomics
Classification: Likely benign. Review status: criteria provided, single submitter. Criteria: ACMG Guidelines, 2015. Collection method: not provided. Allele origin: germline. Inheritance: Autosomal dominant inheritance. Affected: yes.

ITMI
No classification provided. Condition: AllHighlyPenetrant. Last evaluated: 2013-09-19. Review status: no classification provided. Collection method: reference population. Allele origin: germline. Not counted in ClinVar's aggregate classification.
Comment: Please see associated publication for description of ethnicities

Literature cited by the submitters: PubMed 24728327 (cited by ITMI).

NM_015338.6(ASXL1):c.3498C>G (p.Ser1166Arg)

Gene: ASXL1 (ASXL transcriptional regulator 1; plus strand). Cytogenetic location: 20q11.21.
Variant type: single nucleotide variant.
Coding change: c.3498C>G on transcript NM_015338.6 (MANE Select); coding-DNA position 3498, C replaced by G.
Protein change: p.Ser1166Arg; replaces serine 1166 with arginine.
Molecular consequence: missense variant.
Genome position (GRCh38, 1-based): chr20:32,436,210, C>G. VCF-style: chr20-32436210-C-G. GRCh37 (hg19) VCF-style: chr20-31024013-C-G.
Other names: c.3315C>G, p.Ser1105Arg (NM_001363734.1); short protein forms S1166R, S1105R.
Identifiers: ClinVar variation 133584 (VCV000133584.17), dbSNP rs75887545, ClinGen allele CA157005.